The following is an entry in ClinVar:

NM_001042492.3(NF1):c.8325C>G (p.Asn2775Lys)

Gene: NF1 (neurofibromin 1; plus strand). Cytogenetic location: 17q11.2.
Variant type: single nucleotide variant.
Coding change: c.8325C>G on transcript NM_001042492.3 (MANE Select); coding-DNA position 8325, C replaced by G.
Protein change: p.Asn2775Lys; replaces asparagine 2775 with lysine.
Molecular consequence: missense variant.
Genome position (GRCh38, 1-based): chr17:31,360,651, C>G. VCF-style: chr17-31360651-C-G. GRCh37 (hg19) VCF-style: chr17-29687669-C-G.
Other names: c.8262C>G, p.Asn2754Lys (NM_000267.4); short protein forms N2754K, N2775K.
Identifiers: ClinVar variation 3634614 (VCV003634614.2).
Genomic context (GRCh38, chr17:31,360,651, plus strand): 5'-CCTGACTCCCACATCTCCTTACCCTCCTGCACTGCAGAGCCAGCTTAGTATCACTGCCAA[C>G]CTTAACCTTTCTAATTCCATGACCTCACTTGCAACTTCCCAGCATTCCCCAGGTCAGTAA-3'
Protein context (NP_001035957.1, residues 2765-2785): ALQSQLSITA[Asn2775Lys]LNLSNSMTSL

ClinVar aggregate classification (germline): Uncertain significance (1 of 4 stars; one submission).

Conditions:
Neurofibromatosis, type 1 (NF1). Also called: VON RECKLINGHAUSEN DISEASE; Peripheral type neurofibromatosis; NEUROFIBROMATOSIS, TYPE I, SOMATIC; Neurofibromatosis, type I. Identifiers: Orphanet 636, MedGen C0027831, MONDO:0018975, OMIM 162200. Disease mechanism: loss of function.

gnomAD v4.1: 1 of 1,614,122 alleles (0.000062%); highest among the groups gnomAD compares: Non-Finnish European, 0.000085%; no homozygotes.

Submission:

Labcorp Genetics (formerly Invitae), Labcorp
Classification: Uncertain significance for Neurofibromatosis, type 1. Last evaluated: 2024-10-22. Review status: criteria provided, single submitter. Criteria: Invitae Variant Classification Sherloc (09022015). Collection method: clinical testing. Allele origin: germline.
Comment: This sequence change replaces asparagine, which is neutral and polar, with lysine, which is basic and polar, at codon 2754 of the NF1 protein (p.Asn2754Lys). This variant is not present in population databases (gnomAD no frequency). This variant has not been reported in the literature in individuals affected with NF1-related conditions. Invitae Evidence Modeling of protein sequence and biophysical properties (such as structural, functional, and spatial information, amino acid conservation, physicochemical variation, residue mobility, and thermodynamic stability) indicates that this missense variant is not expected to disrupt NF1 protein function with a negative predictive value of 95%. In summary, the available evidence is currently insufficient to determine the role of this variant in disease. Therefore, it has been classified as a Variant of Uncertain Significance.